The following is an entry in ClinVar:

NM_020207.7(ERCC6L2):c.524T>C (p.Ile175Thr)

Gene: ERCC6L2 (ERCC excision repair 6 like 2; plus strand). Cytogenetic location: 9q22.32.
Variant type: single nucleotide variant.
Coding change: c.524T>C on transcript NM_020207.7 (MANE Select); coding-DNA position 524, T replaced by C.
Protein change: p.Ile175Thr; replaces isoleucine 175 with threonine.
Molecular consequence: missense variant. On other transcripts: non-coding transcript variant (1).
Genome position (GRCh38, 1-based): chr9:95,897,901, T>C. VCF-style: chr9-95897901-T-C. GRCh37 (hg19) VCF-style: chr9-98660183-T-C.
Other names: c.524T>C, p.Ile175Thr (NM_001010895.4, NM_001375291.1, NM_001375292.1 and 2 more transcripts); short protein forms I175T.
Identifiers: ClinVar variation 3845943 (VCV003845943.1).

ClinVar aggregate classification (germline): Uncertain significance (1 of 4 stars; one submission).

Conditions:
Inborn genetic diseases. Identifiers: MedGen C0950123, MeSH D030342.

gnomAD v4.1: 8 of 1,612,384 alleles (0.0005%); highest among the groups gnomAD compares: Admixed American, 0.0034%; no homozygotes.

Submission:

Ambry Genetics
Classification: Uncertain significance for Inborn genetic diseases. Last evaluated: 2025-02-16. Review status: criteria provided, single submitter. Criteria: Ambry Variant Classification Scheme 2023. Collection method: clinical testing. Allele origin: germline.
Comment: The p.I175T variant (also known as c.524T>C), located in coding exon 3 of the ERCC6L2 gene, results from a T to C substitution at nucleotide position 524. The isoleucine at codon 175 is replaced by threonine, an amino acid with similar properties. This amino acid position is conserved. In addition, the in silico prediction for this alteration is inconclusive. Based on the available evidence, the clinical significance of this variant remains unclear.